The following is an entry in ClinVar:

NM_001242896.3(DEPDC5):c.3113C>A (p.Thr1038Asn)

Gene: DEPDC5 (DEP domain containing 5, GATOR1 subcomplex subunit; plus strand). Cytogenetic location: 22q12.3.
Variant type: single nucleotide variant.
Coding change: c.3113C>A on transcript NM_001242896.3 (MANE Select); coding-DNA position 3113, C replaced by A.
Protein change: p.Thr1038Asn; replaces threonine 1038 with asparagine.
Molecular consequence: missense variant. On other transcripts: non-coding transcript variant (5).
Genome position (GRCh38, 1-based): chr22:31,846,925, C>A. VCF-style: chr22-31846925-C-A. GRCh37 (hg19) VCF-style: chr22-32242911-C-A.
Other names: c.3086C>A, p.Thr1029Asn (NM_001136029.4, NM_001369903.1, NM_014662.6); c.2879C>A, p.Thr960Asn (NM_001242897.2, NM_001363854.2, NM_001364319.2); c.3113C>A, p.Thr1038Asn (NM_001363852.2, NM_001364318.2, NM_001364320.2); c.3029C>A, p.Thr1010Asn (NM_001369901.1, NM_001369902.1); short protein forms T1010N, T1029N, T1038N, T960N.
Identifiers: ClinVar variation 3340681 (VCV003340681.3).

ClinVar aggregate classification (germline): Uncertain significance. Review status: criteria provided, multiple submitters, no conflicts (2 of 4 stars). 2 submissions from 2 submitters: Uncertain significance (2). Last evaluated 2025-02-19.

Conditions:
Familial focal epilepsy with variable foci (FPEVF). Identifiers: Orphanet 98820, MedGen C1858477, MONDO:0020310.

gnomAD v4.1: 2 of 1,614,154 alleles (0.00012%); highest among the groups gnomAD compares: Non-Finnish European, 0.000085%; no homozygotes.

Submissions (2):

Labcorp Genetics (formerly Invitae), Labcorp
Classification: Uncertain significance for Familial focal epilepsy with variable foci. Last evaluated: 2025-02-19. Review status: criteria provided, single submitter. Criteria: Invitae Variant Classification Sherloc (09022015). Collection method: clinical testing. Allele origin: germline.
Comment: This sequence change replaces threonine, which is neutral and polar, with asparagine, which is neutral and polar, at codon 1038 of the DEPDC5 protein (p.Thr1038Asn). This variant is not present in population databases (gnomAD no frequency). This missense change has been observed in individual(s) with clinical features of DEPDC5-related conditions (PMID: 30093711). In at least one individual the variant was observed to be de novo. ClinVar contains an entry for this variant (Variation ID: 3340681). Experimental studies and prediction algorithms are not available or were not evaluated, and the functional significance of this variant is currently unknown. In summary, the available evidence is currently insufficient to determine the role of this variant in disease. Therefore, it has been classified as a Variant of Uncertain Significance.

GeneDx
Classification: Uncertain significance. Last evaluated: 2023-07-26. Review status: criteria provided, single submitter. Criteria: GeneDx Variant Classification Process June 2021. Collection method: clinical testing. Allele origin: germline. Affected: yes.
Comment: Not observed at significant frequency in large population cohorts (gnomAD); In silico analysis supports that this missense variant does not alter protein structure/function; This variant is associated with the following publications: (PMID: 30093711)

Literature cited by the submitters: PubMed 30093711 (cited by Labcorp Genetics (formerly Invitae), Labcorp).